The following is an entry in ClinVar:

NC_000009.12:g.(?_135769927)_(135792181_?)dup

Gene: KCNT1 (potassium sodium-activated channel subfamily T member 1; plus strand). Cytogenetic location: 9q34.3.
Variant type: Duplication.
Identifiers: ClinVar variation 832401 (VCV000832401.7).

ClinVar aggregate classification (germline): Uncertain significance (1 of 4 stars; one submission).

Conditions:
Autosomal dominant nocturnal frontal lobe epilepsy 5. Also called: CILIARY DYSKINESIA, PRIMARY, 28, WITHOUT SITUS INVERSUS; KCNT1-Related Epilepsy; CILIARY DYSKINESIA, PRIMARY, 28, WITH SITUS INVERSUS; Epilepsy, nocturnal frontal lobe, 5. Identifiers: Orphanet 98784, MedGen C3554306, MONDO:0014002, OMIM 615005.
Developmental and epileptic encephalopathy, 14 (DEE14). Also called: Early infantile epileptic encephalopathy 14. Identifiers: Orphanet 293181, MedGen C3554195, MONDO:0013989, OMIM 614959.

Submission:

Labcorp Genetics (formerly Invitae), Labcorp
Classification: Uncertain significance for Autosomal dominant nocturnal frontal lobe epilepsy 5; Developmental and epileptic encephalopathy, 14. Last evaluated: 2022-09-13. Review status: criteria provided, single submitter. Criteria: Invitae Variant Classification Sherloc (09022015). Collection method: clinical testing. Allele origin: germline.
Comment: This variant results in a copy number gain of the genomic region encompassing exon(s) 16-31 of the KCNT1 gene. This region includes the termination codon of the gene. This copy number gain extends beyond the assayed region for this gene and therefore may encompass additional genes. As the precise location of this event is unknown, it may be in tandem or it may be located elsewhere in the genome. This variant has not been reported in the literature in individuals affected with KCNT1-related conditions. In summary, the available evidence is currently insufficient to determine the role of this variant in disease. Therefore, it has been classified as a Variant of Uncertain Significance.